The following is an entry in ClinVar:

ClinVar aggregate classification (germline): Uncertain significance. Review status: criteria provided, multiple submitters, no conflicts (2 of 4 stars). 3 submissions from 3 submitters: Uncertain significance (3). Last evaluated 2023-07-09.

Conditions:
Familial cancer of breast. Also called: hereditary breast carcinoma; BREAST CANCER, FAMILIAL; Hereditary breast cancer. Identifiers: Orphanet 227535, MedGen C0346153, MONDO:0016419, OMIM 114480. Disease mechanism: loss of function.
Hereditary cancer-predisposing syndrome. Also called: Neoplastic Syndromes, Hereditary; Hereditary Cancer Syndrome; Tumor predisposition; Hereditary neoplastic syndrome. Identifiers: Orphanet 140162, MedGen C0027672, MeSH D009386, MONDO:0015356.

Submissions (3):

Ambry Genetics
Classification: Uncertain significance for Hereditary cancer-predisposing syndrome. Last evaluated: 2023-07-09. Review status: criteria provided, single submitter. Criteria: Ambry Variant Classification Scheme 2023. Collection method: clinical testing. Allele origin: germline.
Comment: The p.K548N variant (also known as c.1644G>T), located in coding exon 7 of the BARD1 gene, results from a G to T substitution at nucleotide position 1644. The lysine at codon 548 is replaced by asparagine, an amino acid with similar properties. This amino acid position is conserved. In addition, this alteration is predicted to be tolerated by in silico analysis. Since supporting evidence is limited at this time, the clinical significance of this alteration remains unclear.

Color Diagnostics, LLC DBA Color Health
Classification: Uncertain significance for Hereditary cancer-predisposing syndrome. Last evaluated: 2022-10-17. Review status: criteria provided, single submitter. Criteria: ACMG Guidelines, 2015. Collection method: clinical testing. Allele origin: germline.
Comment: This missense variant replaces lysine with asparagine at codon 548 of the BARD1 protein. Computational prediction suggests that this variant may not impact protein structure and function (internally defined REVEL score threshold <= 0.5, PMID: 27666373). To our knowledge, functional studies have not been reported for this variant. This variant has not been reported in individuals affected with hereditary cancer in the literature. This variant has not been identified in the general population by the Genome Aggregation Database (gnomAD). The available evidence is insufficient to determine the role of this variant in disease conclusively. Therefore, this variant is classified as a Variant of Uncertain Significance.

Labcorp Genetics (formerly Invitae), Labcorp
Classification: Uncertain significance for Familial cancer of breast. Last evaluated: 2018-06-18. Review status: criteria provided, single submitter. Criteria: Invitae Variant Classification Sherloc (09022015). Collection method: clinical testing. Allele origin: germline.
Comment: In summary, the available evidence is currently insufficient to determine the role of this variant in disease. Therefore, it has been classified as a Variant of Uncertain Significance. Algorithms developed to predict the effect of missense changes on protein structure and function (SIFT, PolyPhen-2, Align-GVGD) all suggest that this variant is likely to be tolerated, but these predictions have not been confirmed by published functional studies and their clinical significance is uncertain. This variant has not been reported in the literature in individuals with BARD1-related disease. This variant is not present in population databases (ExAC no frequency). This sequence change replaces lysine with asparagine at codon 548 of the BARD1 protein (p.Lys548Asn). The lysine residue is moderately conserved and there is a moderate physicochemical difference between lysine and asparagine.

NM_000465.4(BARD1):c.1644G>T (p.Lys548Asn)

Gene: BARD1 (BRCA1 associated RING domain 1; minus strand). Cytogenetic location: 2q35.
Variant type: single nucleotide variant.
Coding change: c.1644G>T on transcript NM_000465.4 (MANE Select); coding-DNA position 1644, G replaced by T.
Protein change: p.Lys548Asn; replaces lysine 548 with asparagine.
Molecular consequence: missense variant. On other transcripts: non-coding transcript variant (3), intron variant (1).
Genome position (GRCh38, 1-based): chr2:214,752,480, C>A on the plus strand (G>T on the coding strand, the complement: BARD1 is on the minus strand). VCF-style: chr2-214752480-C-A. GRCh37 (hg19) VCF-style: chr2-215617204-C-A.
Other names: c.1587G>T, p.Lys529Asn (NM_001282543.2); c.291G>T, p.Lys97Asn (NM_001282545.2); c.234G>T, p.Lys78Asn (NM_001282548.2); c.365-21972G>T (NM_001282549.2); c.1644G>T (NM_000465.2); short protein forms K548N, K78N, K529N, K97N.
Identifiers: ClinVar variation 573540 (VCV000573540.12), dbSNP rs1064796411, ClinGen allele CA350454682.